The following is an entry in ClinVar:

NM_006206.6(PDGFRA):c.2262T>C (p.Tyr754=)

Gene: PDGFRA (platelet derived growth factor receptor alpha; plus strand). Cytogenetic location: 4q12.
Variant type: single nucleotide variant.
Coding change: c.2262T>C on transcript NM_006206.6 (MANE Select); coding-DNA position 2262, T replaced by C.
Protein change: p.Tyr754=; no amino-acid change (tyrosine 754 retained).
Molecular consequence: synonymous variant.
Genome position (GRCh38, 1-based): chr4:54,280,421, T>C. VCF-style: chr4-54280421-T-C. GRCh37 (hg19) VCF-style: chr4-55146588-T-C.
Other names: c.2262T>C, p.Tyr754= (NM_001347827.2, NM_001347829.2); c.2337T>C, p.Tyr779= (NM_001347828.2); c.2301T>C, p.Tyr767= (NM_001347830.2).
Identifiers: ClinVar variation 1788661 (VCV001788661.3), dbSNP rs2110324483, ClinGen allele CA439287585.

ClinVar aggregate classification (germline): Benign/Likely benign. Review status: criteria provided, multiple submitters, no conflicts (2 of 4 stars). 2 submissions from 2 submitters: Benign (1); Likely benign (1). Last evaluated 2026-06-17.

Conditions:
Polyps, multiple and recurrent inflammatory fibroid, gastrointestinal. Identifiers: MedGen C5193005, MONDO:0008285, OMIM 175510.
Hereditary cancer-predisposing syndrome. Also called: Neoplastic Syndromes, Hereditary; Tumor predisposition; Hereditary neoplastic syndrome; Hereditary Cancer Syndrome. Identifiers: Orphanet 140162, MedGen C0027672, MeSH D009386, MONDO:0015356.

Submissions (2):

Myriad Genetics, Inc.
Classification: Benign for Polyps, multiple and recurrent inflammatory fibroid, gastrointestinal. Last evaluated: 2026-06-17. Review status: criteria provided, single submitter. Criteria: Myriad Autosomal Dominant, Autosomal Recessive and X-Linked Classification Criteria (2023). Collection method: clinical testing. Allele origin: unknown.
Comment: This variant is considered benign. This variant is a silent/synonymous amino acid change and it is not expected to impact splicing.

Ambry Genetics
Classification: Likely benign for Hereditary cancer-predisposing syndrome. Last evaluated: 2020-12-16. Review status: criteria provided, single submitter. Criteria: Ambry Variant Classification Scheme 2023. Collection method: clinical testing. Allele origin: germline.